The following is an entry in ClinVar:

NM_000179.3(MSH6):c.1179A>T (p.Ala393=)

Gene: MSH6 (mutS homolog 6; plus strand). Cytogenetic location: 2p16.3.
Variant type: single nucleotide variant.
Coding change: c.1179A>T on transcript NM_000179.3 (MANE Select); coding-DNA position 1179, A replaced by T.
Protein change: p.Ala393=; no amino-acid change (alanine 393 retained).
Molecular consequence: synonymous variant.
Genome position (GRCh38, 1-based): chr2:47,799,162, A>T. VCF-style: chr2-47799162-A-T. GRCh37 (hg19) VCF-style: chr2-48026301-A-T.
Other names: c.789A>T, p.Ala263= (NM_001281492.2); c.273A>T, p.Ala91= (NM_001281493.2, NM_001281494.2).
Identifiers: ClinVar variation 483773 (VCV000483773.20), dbSNP rs144961390, ClinGen allele CA067271.
Genomic context (GRCh38, chr2:47,799,162, plus strand): 5'-TAAGGAGGAAAAGAGAAGAGATGAGCACAGGAGGAGGCCTGATCACCCCGATTTTGATGC[A>T]TCTACACTCTATGTGCCTGAGGATTTCCTCAATTCTTGTACTCCTGGGATGAGGAAGTGG-3'
Protein context (NP_000170.1, residues 383-403): RRRPDHPDFD[Ala393=]STLYVPEDFL

ClinVar aggregate classification (germline): Benign/Likely benign. Review status: criteria provided, multiple submitters, no conflicts (2 of 4 stars). 5 submissions from 5 submitters: Benign (1); Likely benign (3). 1 of the submissions does not count toward it. Last evaluated 2025-07-07.

Conditions:
Hereditary nonpolyposis colorectal neoplasms. Identifiers: MedGen C0009405, MeSH D003123.
Lynch syndrome 5 (LYNCH5). Also called: Colorectal cancer, hereditary nonpolyposis, type 5; Hereditary non-polyposis colorectal cancer, type 5. Identifiers: Orphanet 144, MedGen C1833477, MONDO:0013710, OMIM 614350. Disease mechanism: loss of function.
Hereditary cancer-predisposing syndrome. Also called: Neoplastic Syndromes, Hereditary; Tumor predisposition; Hereditary Cancer Syndrome; Hereditary neoplastic syndrome. Identifiers: Orphanet 140162, MedGen C0027672, MeSH D009386, MONDO:0015356.
MSH6-related disorder. Also called: MSH6-related condition; MSH6-Related disorders.

Allele frequency attached by ClinVar (database versions not stated): gnomAD 0.00001; TOPMed 0.00001; ESP Exome Variant Server 0.00008.
gnomAD v4.1: 1 of 1,614,028 alleles (0.000062%); highest among the groups gnomAD compares: African/African-American, 0.0013%; no homozygotes.

Submissions (5):

Labcorp Genetics (formerly Invitae), Labcorp
Classification: Likely benign for Hereditary nonpolyposis colorectal neoplasms. Last evaluated: 2025-07-07. Review status: criteria provided, single submitter. Criteria: Invitae Variant Classification Sherloc (09022015). Collection method: clinical testing. Allele origin: germline.

Myriad Genetics, Inc.
Classification: Benign for Lynch syndrome 5. Last evaluated: 2024-12-23. Review status: criteria provided, single submitter. Criteria: Myriad Autosomal Dominant, Autosomal Recessive and X-Linked Classification Criteria (2023). Collection method: clinical testing. Allele origin: unknown.
Comment: This variant is considered benign. This variant is a silent/synonymous amino acid change and it is not expected to impact splicing.

Ambry Genetics
Classification: Likely benign for Hereditary cancer-predisposing syndrome. Last evaluated: 2016-04-21. Review status: criteria provided, single submitter. Criteria: Ambry Variant Classification Scheme 2023. Collection method: clinical testing. Allele origin: germline.

Color Diagnostics, LLC DBA Color Health
Classification: Likely benign for Hereditary cancer-predisposing syndrome. Last evaluated: 2016-01-13. Review status: criteria provided, single submitter. Criteria: ACMG Guidelines, 2015. Collection method: clinical testing. Allele origin: germline.

PreventionGenetics, part of Exact Sciences
Classification: Likely benign for MSH6-related condition. Last evaluated: 2022-02-11. Review status: no assertion criteria provided. Collection method: clinical testing. Allele origin: germline. Not counted in ClinVar's aggregate classification.
Comment: This variant is classified as likely benign based on ACMG/AMP sequence variant interpretation guidelines (Richards et al. 2015 PMID: 25741868, with internal and published modifications).